The following is an entry in ClinVar:

ClinVar aggregate classification (germline): Uncertain significance (1 of 4 stars; one submission).

Conditions:
Hypertrophic cardiomyopathy. Also called: HYPERTROPHIC MYOCARDIOPATHY. Identifiers: Orphanet 217569, MedGen C0007194, MeSH D002312, MONDO:0005045, HP:0001639.

Allele frequency attached by ClinVar (database versions not stated): gnomAD 0.00002.
gnomAD v4.1: 8 of 1,603,120 alleles (0.0005%); highest among the groups gnomAD compares: African/African-American, 0.0027%; no homozygotes.

Submission:

Labcorp Genetics (formerly Invitae), Labcorp
Classification: Uncertain significance for Hypertrophic cardiomyopathy. Last evaluated: 2025-12-22. Review status: criteria provided, single submitter. Criteria: Invitae Variant Classification Sherloc (09022015). Collection method: clinical testing. Allele origin: germline.
Comment: This sequence change falls in intron 27 of the MYOM1 gene. It does not directly change the encoded amino acid sequence of the MYOM1 protein. This variant is present in population databases (no rsID available, gnomAD 0.004%). This variant has not been reported in the literature in individuals affected with MYOM1-related conditions. ClinVar contains an entry for this variant (Variation ID: 2048775). Algorithms developed to predict the effect of sequence changes on RNA splicing suggest that this variant may disrupt the consensus splice site. In summary, the available evidence is currently insufficient to determine the role of this variant in disease. Therefore, it has been classified as a Variant of Uncertain Significance.

NM_003803.4(MYOM1):c.4010-8A>G

Gene: MYOM1 (myomesin 1; minus strand). Cytogenetic location: 18p11.31.
Variant type: single nucleotide variant.
Coding change: c.4010-8A>G on transcript NM_003803.4 (MANE Select); 8 bases into the intron before coding-DNA position 4010, A replaced by G.
Molecular consequence: intron variant.
Genome position (GRCh38, 1-based): chr18:3,089,604, T>C on the plus strand (A>G on the coding strand, the complement: MYOM1 is on the minus strand). VCF-style: chr18-3089604-T-C. GRCh37 (hg19) VCF-style: chr18-3089602-T-C.
Other names: c.3722-8A>G (NM_019856.2).
Identifiers: ClinVar variation 2048775 (VCV002048775.4), dbSNP rs1393101827, ClinGen allele CA628060191.